The following is an entry in ClinVar:

NM_001130823.3(DNMT1):c.4425C>G (p.His1475Gln)

Gene: DNMT1 (DNA methyltransferase 1; minus strand). Cytogenetic location: 19p13.2.
Variant type: single nucleotide variant.
Coding change: c.4425C>G on transcript NM_001130823.3 (MANE Select); coding-DNA position 4425, C replaced by G.
Protein change: p.His1475Gln; replaces histidine 1475 with glutamine.
Molecular consequence: missense variant.
Genome position (GRCh38, 1-based): chr19:10,137,149, G>C on the plus strand (C>G on the coding strand, the complement: DNMT1 is on the minus strand). VCF-style: chr19-10137149-G-C. GRCh37 (hg19) VCF-style: chr19-10247825-G-C.
Other names: c.4377C>G, p.His1459Gln (NM_001318730.2, NM_001379.4); c.4062C>G, p.His1354Gln (NM_001318731.2); short protein forms H1475Q, H1354Q, H1459Q.
Identifiers: ClinVar variation 3680152 (VCV003680152.2).

ClinVar aggregate classification (germline): Uncertain significance (1 of 4 stars; one submission).

Conditions:
Hereditary sensory neuropathy-deafness-dementia syndrome. Also called: Hereditary sensory neuropathy type IE; NEUROPATHY, HEREDITARY SENSORY, WITH HEARING LOSS AND DEMENTIA; Hereditary Sensory and Autonomic Neuropathy Type 1E (HSAN1E); HSN IE. Identifiers: Orphanet 456318, MedGen C3279885, MONDO:0013584, OMIM 614116.

gnomAD v4.1: 17 of 1,610,660 alleles (0.0011%); highest among the groups gnomAD compares: Non-Finnish European, 0.0014%; no homozygotes.

Submission:

Labcorp Genetics (formerly Invitae), Labcorp
Classification: Uncertain significance for Hereditary sensory neuropathy-deafness-dementia syndrome. Last evaluated: 2024-02-18. Review status: criteria provided, single submitter. Criteria: Invitae Variant Classification Sherloc (09022015). Collection method: clinical testing. Allele origin: germline.
Comment: This sequence change replaces histidine, which is basic and polar, with glutamine, which is neutral and polar, at codon 1475 of the DNMT1 protein (p.His1475Gln). This variant is not present in population databases (gnomAD no frequency). This variant has not been reported in the literature in individuals affected with DNMT1-related conditions. Advanced modeling of protein sequence and biophysical properties (such as structural, functional, and spatial information, amino acid conservation, physicochemical variation, residue mobility, and thermodynamic stability) performed at Invitae indicates that this missense variant is not expected to disrupt DNMT1 protein function with a negative predictive value of 95%. In summary, the available evidence is currently insufficient to determine the role of this variant in disease. Therefore, it has been classified as a Variant of Uncertain Significance.